The following is an entry in ClinVar:

ClinVar aggregate classification (germline): Uncertain significance (1 of 4 stars; one submission).

Conditions:
Coffin-Siris syndrome 10. Also called: INTELLECTUAL DEVELOPMENTAL DISORDER WITH SPEECH DELAY AND DYSMORPHIC FACIES. Identifiers: MedGen C4760583, MONDO:0032791, OMIM 618506.

gnomAD v4.1: 5 of 1,210,092 alleles (0.00041%); highest among the groups gnomAD compares: Non-Finnish European, 0.00051%; no homozygotes.

Submission:

Laboratorio de Genetica e Diagnostico Molecular, Hospital Israelita Albert Einstein
Classification: Uncertain significance for Coffin-Siris syndrome 10. Last evaluated: 2023-04-04. Review status: criteria provided, single submitter. Criteria: ACMG Guidelines, 2015. Collection method: clinical testing. Allele origin: germline. Affected: yes.
Comment: ACMG classification criteria: PM2 moderate, BP4 supporting

NM_003107.3(SOX4):c.1013G>A (p.Ser338Asn)

Gene: SOX4 (SRY-box transcription factor 4; plus strand). Cytogenetic location: 6p22.3.
Variant type: single nucleotide variant.
Coding change: c.1013G>A on transcript NM_003107.3 (MANE Select); coding-DNA position 1013, G replaced by A.
Protein change: p.Ser338Asn; replaces serine 338 with asparagine.
Molecular consequence: missense variant.
Genome position (GRCh38, 1-based): chr6:21,595,547, G>A. VCF-style: chr6-21595547-G-A. GRCh37 (hg19) VCF-style: chr6-21595778-G-A.
Other names: short protein forms S338N.
Identifiers: ClinVar variation 4076195 (VCV004076195.1).